The following is an entry in ClinVar:

NM_025150.5(TARS2):c.2047A>G (p.Ile683Val)

Gene: TARS2 (threonyl-tRNA synthetase 2, mitochondrial; plus strand). Cytogenetic location: 1q21.2.
Variant type: single nucleotide variant.
Coding change: c.2047A>G on transcript NM_025150.5 (MANE Select); coding-DNA position 2047, A replaced by G.
Protein change: p.Ile683Val; replaces isoleucine 683 with valine.
Molecular consequence: missense variant. On other transcripts: non-coding transcript variant (2).
Genome position (GRCh38, 1-based): chr1:150,506,954, A>G. VCF-style: chr1-150506954-A-G. GRCh37 (hg19) VCF-style: chr1-150479430-A-G.
Other names: c.1801A>G, p.Ile601Val (NM_001271895.2); c.1657A>G, p.Ile553Val (NM_001271896.2); short protein forms I553V, I601V, I683V.
Identifiers: ClinVar variation 1366816 (VCV001366816.6), dbSNP rs765824238, ClinGen allele CA1077240.
Genomic context (GRCh38, chr1:150,506,954, plus strand): 5'-CCCAAACTTCCTCTACCTGCAGTGGTTGGCCAGAAAGAGCAAAGTAAGAGAACAGTGAAC[A>G]TTCGGACTCGAGATAATCGTCGCCTTGGGGAGTGGGACTTGCCTGAGGCTGTGCAGCGAC-3'
Protein context (NP_079426.2, residues 673-693): QKEQSKRTVN[Ile683Val]RTRDNRRLGE

ClinVar aggregate classification (germline): Uncertain significance (1 of 4 stars; one submission).

Allele frequency attached by ClinVar (database versions not stated): gnomAD exomes 0.00001; ExAC 0.00002.
gnomAD v4.1: 12 of 1,614,178 alleles (0.00074%); highest among the groups gnomAD compares: Non-Finnish European, 0.001%; no homozygotes.

Submission:

Labcorp Genetics (formerly Invitae), Labcorp
Classification: Uncertain significance. Last evaluated: 2023-08-30. Review status: criteria provided, single submitter. Criteria: Invitae Variant Classification Sherloc (09022015). Collection method: clinical testing. Allele origin: germline.
Comment: ClinVar contains an entry for this variant (Variation ID: 1366816). In summary, the available evidence is currently insufficient to determine the role of this variant in disease. Therefore, it has been classified as a Variant of Uncertain Significance. Advanced modeling of protein sequence and biophysical properties (such as structural, functional, and spatial information, amino acid conservation, physicochemical variation, residue mobility, and thermodynamic stability) performed at Invitae indicates that this missense variant is not expected to disrupt TARS2 protein function. This variant has not been reported in the literature in individuals affected with TARS2-related conditions. This variant is present in population databases (rs765824238, gnomAD 0.002%). This sequence change replaces isoleucine, which is neutral and non-polar, with valine, which is neutral and non-polar, at codon 683 of the TARS2 protein (p.Ile683Val).